The following is an entry in ClinVar:

NM_012062.5(DNM1L):c.687_689dup (p.Leu230dup)

Gene: DNM1L (dynamin 1 like; plus strand). Cytogenetic location: 12p11.21.
Variant type: Duplication.
Coding change: c.687_689dup on transcript NM_012062.5 (MANE Select); coding-DNA positions 687 to 689, 3 bases duplicated (ATT; older notation c.687_689dupATT).
Protein change: p.Leu230dup; duplicates leucine 230.
Molecular consequence: inframe insertion. On other transcripts: intron variant (1).
Genome position (GRCh38, 1-based): chr12:32,718,710-32,718,712, ATT duplicated; duplicating any 3 consecutive bases within chr12:32,718,709-32,718,712 gives the same sequence; the c. name uses the placement nearest the transcript's 3' end. VCF-style (leftmost placement, unchanged base first): chr12-32718708-G-GTAT. GRCh37 (hg19) VCF-style: chr12-32871642-G-GTAT.
Other names: c.687_689dup (NM_012062.3); c.687_689dup, p.Leu230dup (NM_001278463.2, NM_005690.5, NM_012063.4); c.726_728dup, p.Leu243dup (NM_001278464.2, NM_001278465.2, NM_001330380.2); c.132-1954_132-1952dup (NM_001278466.2).
Identifiers: ClinVar variation 1299487 (VCV001299487.2), dbSNP rs2137424964, ClinGen allele CA2573148564.
Genomic context (GRCh38, chr12:32,718,708, plus strand): 5'-AGAACCCTAGCTGTAATCACTAAACTTGATCTCATGGATGCGGGTACTGATGCCATGGAT[G>GTAT]TATTGATGGGAAGGGTTATTCCAGTCAAACTTGGAATAATTGGAGTAGTTAACAGGTTAG-3'

ClinVar aggregate classification (germline): Conflicting classifications of pathogenicity. Review status: criteria provided, conflicting classifications (1 of 4 stars). 2 submissions from 2 submitters: Likely pathogenic (1); Uncertain significance (1). Last evaluated 2022-07-01.

Conditions:
Mitochondrial disease. Also called: Mitochondrial disorders; Mitochondrial disorder. Identifiers: Orphanet 68380, MedGen C0751651, MeSH D028361, MONDO:0044970.

Submissions (2):

GeneDx
Classification: Uncertain significance. Last evaluated: 2022-07-01. Review status: criteria provided, single submitter. Criteria: GeneDx Variant Classification Process June 2021. Collection method: clinical testing. Allele origin: germline. Affected: yes.
Comment: Not observed at significant frequency in large population cohorts (gnomAD); In-frame insertion of 1 amino acid in a non-repeat region; In silico analysis supports that this variant does not alter protein structure/function; Has not been previously published as pathogenic or benign to our knowledge

Mitochondrial Research Group, Newcastle University
Classification: Likely pathogenic for Mitochondrial disease. Last evaluated: 2021-10-08. Review status: criteria provided, single submitter. Criteria: Ellard et al ACGS 2020 Guidelines. Collection method: clinical testing. Allele origin: de novo. Affected: yes. Observed: 1 variant allele.